The following is an entry in ClinVar:

NM_004329.3(BMPR1A):c.470T>G (p.Leu157Arg)

Gene: BMPR1A (bone morphogenetic protein receptor type 1A; plus strand). Cytogenetic location: 10q23.2.
Variant type: single nucleotide variant.
Coding change: c.470T>G on transcript NM_004329.3 (MANE Select); coding-DNA position 470, T replaced by G.
Protein change: p.Leu157Arg; replaces leucine 157 with arginine.
Molecular consequence: missense variant.
Genome position (GRCh38, 1-based): chr10:86,900,066, T>G. VCF-style: chr10-86900066-T-G. GRCh37 (hg19) VCF-style: chr10-88659823-T-G.
Other names: short protein forms L157R.
Identifiers: ClinVar variation 566037 (VCV000566037.6), dbSNP rs751260747, ClinGen allele CA5585529.

ClinVar aggregate classification (germline): Uncertain significance. Review status: criteria provided, multiple submitters, no conflicts (2 of 4 stars). 2 submissions from 2 submitters: Uncertain significance (2). Last evaluated 2023-04-15.

Conditions:
Hereditary cancer-predisposing syndrome. Also called: Neoplastic Syndromes, Hereditary; Tumor predisposition; Hereditary Cancer Syndrome; Hereditary neoplastic syndrome. Identifiers: Orphanet 140162, MedGen C0027672, MeSH D009386, MONDO:0015356.
Juvenile polyposis syndrome (JPS). Identifiers: Orphanet 2929, MedGen C0345893, MONDO:0017380, OMIM 174900.

Allele frequency attached by ClinVar (database versions not stated): gnomAD exomes below 0.00001; ExAC 0.00001.
gnomAD v4.1: 2 of 1,614,170 alleles (0.00012%); highest among the groups gnomAD compares: South Asian, 0.0022%; no homozygotes.

Submissions (2):

Labcorp Genetics (formerly Invitae), Labcorp
Classification: Uncertain significance for Juvenile polyposis syndrome. Last evaluated: 2023-04-15. Review status: criteria provided, single submitter. Criteria: Invitae Variant Classification Sherloc (09022015). Collection method: clinical testing. Allele origin: germline.
Comment: This variant has not been reported in the literature in individuals affected with BMPR1A-related conditions. ClinVar contains an entry for this variant (Variation ID: 566037). This variant is present in population databases (rs751260747, gnomAD 0.003%). This sequence change replaces leucine, which is neutral and non-polar, with arginine, which is basic and polar, at codon 157 of the BMPR1A protein (p.Leu157Arg). Advanced modeling of protein sequence and biophysical properties (such as structural, functional, and spatial information, amino acid conservation, physicochemical variation, residue mobility, and thermodynamic stability) performed at Invitae indicates that this missense variant is not expected to disrupt BMPR1A protein function. In summary, the available evidence is currently insufficient to determine the role of this variant in disease. Therefore, it has been classified as a Variant of Uncertain Significance.

Ambry Genetics
Classification: Uncertain significance for Hereditary cancer-predisposing syndrome. Last evaluated: 2022-07-06. Review status: criteria provided, single submitter. Criteria: Ambry Variant Classification Scheme 2023. Collection method: clinical testing. Allele origin: germline.
Comment: The p.L157R variant (also known as c.470T>G), located in coding exon 5 of the BMPR1A gene, results from a T to G substitution at nucleotide position 470. The leucine at codon 157 is replaced by arginine, an amino acid with dissimilar properties. This amino acid position is highly conserved in available vertebrate species. In addition, this alteration is predicted to be deleterious by in silico analysis. Since supporting evidence is limited at this time, the clinical significance of this alteration remains unclear.